The following is an entry in ClinVar:

NM_145200.5(CABP4):c.439G>A (p.Gly147Ser)

Gene: CABP4 (calcium binding protein 4; plus strand). Cytogenetic location: 11q13.2.
Variant type: single nucleotide variant.
Coding change: c.439G>A on transcript NM_145200.5 (MANE Select); coding-DNA position 439, G replaced by A.
Protein change: p.Gly147Ser; replaces glycine 147 with serine.
Molecular consequence: missense variant.
Genome position (GRCh38, 1-based): chr11:67,456,340, G>A. VCF-style: chr11-67456340-G-A. GRCh37 (hg19) VCF-style: chr11-67223811-G-A.
Other names: c.124G>A, p.Gly42Ser (NM_001300895.3, NM_001300896.3, NM_001379183.1); short protein forms G147S, G42S.
Identifiers: ClinVar variation 1477049 (VCV001477049.7), dbSNP rs757305796, ClinGen allele CA6140223.

ClinVar aggregate classification (germline): Uncertain significance. Review status: criteria provided, multiple submitters, no conflicts (2 of 4 stars). 2 submissions from 2 submitters: Uncertain significance (2). Last evaluated 2025-01-06.

Allele frequency attached by ClinVar (database versions not stated): gnomAD 0.00001 and 0.00002; gnomAD exomes 0.00002; TOPMed 0.00003; ExAC 0.00005.
gnomAD v4.1: 35 of 1,613,686 alleles (0.0022%); highest among the groups gnomAD compares: Admixed American, 0.022%; no homozygotes.

Submissions (2):

Labcorp Genetics (formerly Invitae), Labcorp
Classification: Uncertain significance. Last evaluated: 2025-01-06. Review status: criteria provided, single submitter. Criteria: Invitae Variant Classification Sherloc (09022015). Collection method: clinical testing. Allele origin: germline.
Comment: This sequence change replaces glycine, which is neutral and non-polar, with serine, which is neutral and polar, at codon 147 of the CABP4 protein (p.Gly147Ser). This variant is present in population databases (rs757305796, gnomAD 0.02%). This variant has not been reported in the literature in individuals affected with CABP4-related conditions. ClinVar contains an entry for this variant (Variation ID: 1477049). Invitae Evidence Modeling of protein sequence and biophysical properties (such as structural, functional, and spatial information, amino acid conservation, physicochemical variation, residue mobility, and thermodynamic stability) indicates that this missense variant is expected to disrupt CABP4 protein function with a positive predictive value of 80%. In summary, the available evidence is currently insufficient to determine the role of this variant in disease. Therefore, it has been classified as a Variant of Uncertain Significance.

Blueprint Genetics
Classification: Uncertain significance. Last evaluated: 2022-10-13. Review status: criteria provided, single submitter. Criteria: ACMG Guidelines, 2015. Collection method: clinical testing. Allele origin: germline.